The following is an entry in ClinVar:

NM_003482.4(KMT2D):c.13454C>T (p.Ala4485Val)

Gene: KMT2D (lysine methyltransferase 2D; minus strand). Cytogenetic location: 12q13.12.
Variant type: single nucleotide variant.
Coding change: c.13454C>T on transcript NM_003482.4 (MANE Select); coding-DNA position 13454, C replaced by T.
Protein change: p.Ala4485Val; replaces alanine 4485 with valine.
Molecular consequence: missense variant.
Genome position (GRCh38, 1-based): chr12:49,031,251, G>A on the plus strand (C>T on the coding strand, the complement: KMT2D is on the minus strand). VCF-style: chr12-49031251-G-A. GRCh37 (hg19) VCF-style: chr12-49425034-G-A.
Other names: short protein forms A4485V.
Identifiers: ClinVar variation 1046304 (VCV001046304.8), dbSNP rs980315263, ClinGen allele CA384704252.
Genomic context (GRCh38, chr12:49,031,251, plus strand): 5'-GTACCCTGTAGTTTCTGCTCCAGCCCAGCCAGCTTGCTGTCAATGTGCCCGTTGATCTCA[G>A]CTCGCAGCCCCTCGGACCCCCGCCCAGTGCTGAGTTGCACATTCTTTGCCCGGAGTAGCT-3'
Protein context (NP_003473.3, residues 4475-4495): STGRGSEGLR[Ala4485Val]EINGHIDSKL

ClinVar aggregate classification (germline): Uncertain significance (1 of 4 stars; one submission).

Conditions:
Kabuki syndrome. Also called: NIIKAWA-KUROKI SYNDROME; Kabuki make-up syndrome. Identifiers: Orphanet 2322, MedGen C0796004, MONDO:0016512.

Submission:

Labcorp Genetics (formerly Invitae), Labcorp
Classification: Uncertain significance for Kabuki syndrome. Last evaluated: 2022-02-11. Review status: criteria provided, single submitter. Criteria: Invitae Variant Classification Sherloc (09022015). Collection method: clinical testing. Allele origin: germline.
Comment: This sequence change replaces alanine, which is neutral and non-polar, with valine, which is neutral and non-polar, at codon 4485 of the KMT2D protein (p.Ala4485Val). This variant is not present in population databases (gnomAD no frequency). This variant has not been reported in the literature in individuals affected with KMT2D-related conditions. ClinVar contains an entry for this variant (Variation ID: 1046304). Advanced modeling of protein sequence and biophysical properties (such as structural, functional, and spatial information, amino acid conservation, physicochemical variation, residue mobility, and thermodynamic stability) performed at Invitae indicates that this missense variant is not expected to disrupt KMT2D protein function. In summary, the available evidence is currently insufficient to determine the role of this variant in disease. Therefore, it has been classified as a Variant of Uncertain Significance.